The following is an entry in ClinVar:

ClinVar aggregate classification (germline): Uncertain significance. Review status: criteria provided, multiple submitters, no conflicts (2 of 4 stars). 2 submissions from 2 submitters: Uncertain significance (2). Last evaluated 2024-10-24.

Conditions:
Inborn genetic diseases. Identifiers: MedGen C0950123, MeSH D030342.

Allele frequency attached by ClinVar (database versions not stated): gnomAD 0.00001; TOPMed 0.00001.
gnomAD v4.1: 1 of 1,613,702 alleles (0.000062%); highest among the groups gnomAD compares: African/African-American, 0.0013%; no homozygotes.

Submissions (2):

Labcorp Genetics (formerly Invitae), Labcorp
Classification: Uncertain significance. Last evaluated: 2024-10-24. Review status: criteria provided, single submitter. Criteria: Invitae Variant Classification Sherloc (09022015). Collection method: clinical testing. Allele origin: germline.
Comment: This sequence change replaces isoleucine, which is neutral and non-polar, with leucine, which is neutral and non-polar, at codon 230 of the PPP2R5D protein (p.Ile230Leu). This variant is present in population databases (no rsID available, gnomAD 0.01%). This variant has not been reported in the literature in individuals affected with PPP2R5D-related conditions. ClinVar contains an entry for this variant (Variation ID: 2229478). An algorithm developed to predict the effect of missense changes on protein structure and function (PolyPhen-2) suggests that this variant is likely to be tolerated. In summary, the available evidence is currently insufficient to determine the role of this variant in disease. Therefore, it has been classified as a Variant of Uncertain Significance.

Ambry Genetics
Classification: Uncertain significance for Inborn genetic diseases. Last evaluated: 2021-02-19. Review status: criteria provided, single submitter. Criteria: Ambry Variant Classification Scheme 2023. Collection method: clinical testing. Allele origin: germline.
Comment: The c.688A>C (p.I230L) alteration is located in exon 6 (coding exon 6) of the PPP2R5D gene. This alteration results from a A to C substitution at nucleotide position 688, causing the isoleucine (I) at amino acid position 230 to be replaced by a leucine (L). The p.I230L alteration is predicted to be tolerated by in silico analysis. Based on insufficient or conflicting evidence, the clinical significance of this alteration remains unclear.

NM_006245.4(PPP2R5D):c.688A>C (p.Ile230Leu)

Gene: PPP2R5D (protein phosphatase 2 regulatory subunit B'delta; plus strand). Cytogenetic location: 6p21.1.
Variant type: single nucleotide variant.
Coding change: c.688A>C on transcript NM_006245.4 (MANE Select); coding-DNA position 688, A replaced by C.
Protein change: p.Ile230Leu; replaces isoleucine 230 with leucine.
Molecular consequence: missense variant.
Genome position (GRCh38, 1-based): chr6:43,007,468, A>C. VCF-style: chr6-43007468-A-C. GRCh37 (hg19) VCF-style: chr6-42975206-A-C.
Other names: c.235A>C, p.Ile79Leu (NM_001270476.2); c.592A>C, p.Ile198Leu (NM_180976.3); c.370A>C, p.Ile124Leu (NM_180977.3); short protein forms I124L, I198L, I79L, I230L.
Identifiers: ClinVar variation 2229478 (VCV002229478.4), dbSNP rs1381167866, ClinGen allele CA364187777.